The following is an entry in ClinVar:

ClinVar aggregate classification (germline): Likely benign (0 of 4 stars; one submission).

Conditions:
GEMIN4-related disorder. Also called: GEMIN4-related condition.

Allele frequency attached by ClinVar (database versions not stated): gnomAD exomes 0.00020; ExAC 0.00080; ESP Exome Variant Server 0.00138; gnomAD 0.00229; TOPMed 0.00237; 1000 Genomes Project 0.00359; 1000 Genomes Project 30x 0.00422.
gnomAD v4.1: 659 of 1,608,856 alleles (0.041%); highest among the groups gnomAD compares: African/African-American, 0.78%; 4 homozygotes.

Submission:

PreventionGenetics, part of Exact Sciences
Classification: Likely benign for GEMIN4-related condition. Last evaluated: 2019-02-21. Review status: no assertion criteria provided. Collection method: clinical testing. Allele origin: germline.
Comment: This variant is classified as likely benign based on ACMG/AMP sequence variant interpretation guidelines (Richards et al. 2015 PMID: 25741868, with internal and published modifications).

NM_015721.3(GEMIN4):c.2436C>G (p.Gly812=)

Gene: GEMIN4 (gem nuclear organelle associated protein 4; minus strand). Cytogenetic location: 17p13.3.
Variant type: single nucleotide variant.
Coding change: c.2436C>G on transcript NM_015721.3 (MANE Select); coding-DNA position 2436, C replaced by G.
Protein change: p.Gly812=; no amino-acid change (glycine 812 retained).
Molecular consequence: synonymous variant.
Genome position (GRCh38, 1-based): chr17:745,607, G>C on the plus strand (C>G on the coding strand, the complement: GEMIN4 is on the minus strand). VCF-style: chr17-745607-G-C. GRCh37 (hg19) VCF-style: chr17-648847-G-C.
Identifiers: ClinVar variation 3051773 (VCV003051773.2), dbSNP rs116646927, ClinGen allele CA8262422.